The following is an entry in ClinVar:

ClinVar aggregate classification (germline): Likely pathogenic (1 of 4 stars; one submission).

Submission:

Labcorp Genetics (formerly Invitae), Labcorp
Classification: Likely pathogenic. Last evaluated: 2023-04-04. Review status: criteria provided, single submitter. Criteria: Invitae Variant Classification Sherloc (09022015). Collection method: clinical testing. Allele origin: germline.
Comment: This variant has not been reported in the literature in individuals affected with SLC12A1-related conditions. Algorithms developed to predict the effect of sequence changes on RNA splicing suggest that this variant may disrupt the consensus splice site. In summary, the currently available evidence indicates that the variant is pathogenic, but additional data are needed to prove that conclusively. Therefore, this variant has been classified as Likely Pathogenic. This variant is not present in population databases (gnomAD no frequency). This sequence change affects a donor splice site in intron 4 of the SLC12A1 gene. It is expected to disrupt RNA splicing. Variants that disrupt the donor or acceptor splice site typically lead to a loss of protein function (PMID: 16199547), and loss-of-function variants in SLC12A1 are known to be pathogenic (PMID: 8640224, 9585600, 19096086).

Literature cited by the submitters: PubMed 16199547; PubMed 8640224; PubMed 9585600; PubMed 19096086.

NM_000338.3(SLC12A1):c.628+1G>C

Gene: SLC12A1 (solute carrier family 12 member 1; plus strand). Cytogenetic location: 15q21.1.
Variant type: single nucleotide variant.
Coding change: c.628+1G>C on transcript NM_000338.3 (MANE Select); the canonical splice donor site of the intron after coding-DNA position 628, G replaced by C.
Molecular consequence: splice donor variant.
Genome position (GRCh38, 1-based): chr15:48,220,997, G>C. VCF-style: chr15-48220997-G-C. GRCh37 (hg19) VCF-style: chr15-48513194-G-C.
Other names: c.628+1G>C (NM_001384136.1, NM_001184832.2).
Identifiers: ClinVar variation 2841435 (VCV002841435.3), dbSNP rs2041206341, ClinGen allele CA392305094.